The following is an entry in ClinVar:

ClinVar aggregate classification (germline): Likely benign. Review status: criteria provided, multiple submitters, no conflicts (2 of 4 stars). 2 submissions from 2 submitters: Likely benign (2). Last evaluated 2024-03-29.

gnomAD v4.1: 13 of 1,552,542 alleles (0.00084%); highest among the groups gnomAD compares: Non-Finnish European, 0.0011%; no homozygotes.

Submissions (2):

Women's Health and Genetics/Laboratory Corporation of America, LabCorp
Classification: Likely benign. Last evaluated: 2024-03-29. Review status: criteria provided, single submitter. Criteria: LabCorp Variant Classification Summary - May 2015. Collection method: clinical testing. Allele origin: germline.
Comment: Variant summary: NR2E3 c.373C>A alters a conserved nucleotide resulting in a synonymous change. Consensus agreement among computation tools predict no significant impact on normal splicing. However, these predictions have yet to be confirmed by functional studies. The variant allele was found at a frequency of 6.4e-06 in 156836 control chromosomes. The available data on variant occurrences in the general population are insufficient to allow any conclusion about variant significance. To our knowledge, no occurrence of c.373C>A in individuals affected with Retinitis Pigmentosa and no experimental evidence demonstrating its impact on protein function have been reported. ClinVar contains an entry for this variant (Variation ID: 2792014). Based on the evidence outlined above, the variant was classified as likely benign.

Labcorp Genetics (formerly Invitae), Labcorp
Classification: Likely benign. Last evaluated: 2023-06-15. Review status: criteria provided, single submitter. Criteria: Invitae Variant Classification Sherloc (09022015). Collection method: clinical testing. Allele origin: germline.

NM_014249.4(NR2E3):c.373C>A (p.Arg125=)

Gene: NR2E3 (nuclear receptor subfamily 2 group E member 3; plus strand). Cytogenetic location: 15q23.
Variant type: single nucleotide variant.
Coding change: c.373C>A on transcript NM_014249.4 (MANE Select); coding-DNA position 373, C replaced by A.
Protein change: p.Arg125=; no amino-acid change (arginine 125 retained).
Molecular consequence: synonymous variant.
Genome position (GRCh38, 1-based): chr15:71,811,978, C>A. VCF-style: chr15-71811978-C-A. GRCh37 (hg19) VCF-style: chr15-72104318-C-A.
Other names: c.373C>A, p.Arg125= (NM_016346.4).
Identifiers: ClinVar variation 2792014 (VCV002792014.5), dbSNP rs786205493, ClinGen allele CA491103584.